The following is an entry in ClinVar:

NM_015559.3(SETBP1):c.3388_3389delinsAT (p.Pro1130Ile)

Gene: SETBP1 (SET binding protein 1; plus strand). Cytogenetic location: 18q12.3.
Variant type: Indel.
Coding change: c.3388_3389delinsAT on transcript NM_015559.3 (MANE Select); coding-DNA positions 3388 to 3389, CC replaced by AT.
Protein change: p.Pro1130Ile; replaces proline 1130 with isoleucine.
Molecular consequence: missense variant.
Genome position (GRCh38, 1-based): chr18:44,952,728-44,952,729, CC replaced by AT. VCF-style: chr18-44952728-CC-AT. GRCh37 (hg19) VCF-style: chr18-42532693-CC-AT.
Other names: c.3388_3389delinsAT, p.Pro1130Ile (NM_001379141.1, NM_001379142.1, NM_001410862.1); short protein forms P1130I.
Identifiers: ClinVar variation 2807284 (VCV002807284.3), dbSNP rs2511475807, ClinGen allele CA2739268649.
Genomic context (GRCh38, chr18:44,952,728, plus strand): 5'-AAAGCCAAGCATGGAGTACACCTGCAGGGACCTGTTAGCATGGGCCTTGGTGACATGCAG[CC>AT]TTCTCTGAACCCTCCCAAGGTAGGCAGTGCCAGTCTGTCCAGTGGTCGGCTCCATAAGAG-3'
Protein context (NP_056374.2, residues 1120-1140): PVSMGLGDMQ[Pro1130Ile]SLNPPKVGSA

ClinVar aggregate classification (germline): Uncertain significance (1 of 4 stars; one submission).

Submission:

Labcorp Genetics (formerly Invitae), Labcorp
Classification: Uncertain significance. Last evaluated: 2023-06-29. Review status: criteria provided, single submitter. Criteria: Invitae Variant Classification Sherloc (09022015). Collection method: clinical testing. Allele origin: germline.
Comment: The frequency data for this variant in the population databases is considered unreliable, as metrics indicate poor data quality at this position in the gnomAD database. This sequence change replaces proline, which is neutral and non-polar, with isoleucine, which is neutral and non-polar, at codon 1130 of the SETBP1 protein (p.Pro1130Ile). This variant has not been reported in the literature in individuals affected with SETBP1-related conditions. An algorithm developed to predict the effect of missense changes on protein structure and function (PolyPhen-2) suggests that this variant is likely to be tolerated. In summary, the available evidence is currently insufficient to determine the role of this variant in disease. Therefore, it has been classified as a Variant of Uncertain Significance.